The following is an entry in ClinVar:

NM_000548.5(TSC2):c.4107dup (p.Pro1370fs)

Gene: TSC2 (TSC complex subunit 2; plus strand). Cytogenetic location: 16p13.3.
Variant type: Duplication.
Coding change: c.4107dup on transcript NM_000548.5 (MANE Select); coding-DNA position 4107, one base duplicated (G; older notation c.4107dupG).
Protein change: p.Pro1370fs; shifts the reading frame from proline 1370.
Molecular consequence: frameshift variant. On other transcripts: non-coding transcript variant (5).
Genome position (GRCh38, 1-based): chr16:2,084,329, G duplicated; the last of 2 consecutive G bases (chr16:2,084,328-2,084,329); duplicating either gives the same sequence. VCF-style (leftmost placement, unchanged base first): chr16-2084327-C-CG. GRCh37 (hg19) VCF-style: chr16-2134328-C-CG.
Other names: c.3906dup, p.Pro1303fs (NM_001077183.3); c.4038dup, p.Pro1347fs (NM_001114382.3); c.3798dup, p.Pro1267fs (NM_001318827.2); c.3762dup, p.Pro1255fs (NM_001318829.2); c.3375dup, p.Pro1126fs (NM_001318831.2); c.3939dup, p.Pro1314fs (NM_001318832.2); c.3909dup, p.Pro1304fs (NM_001363528.2); c.3975dup, p.Pro1326fs (NM_001370404.1); and 26 more; short protein forms P1126fs, P1170fs, P1297fs, P1303fs, P1304fs, P1310fs, P1314fs, P1103fs.
Identifiers: ClinVar variation 4974551 (VCV004974551.1).

ClinVar aggregate classification (germline): Pathogenic (1 of 4 stars; one submission).

Conditions:
Tuberous sclerosis 2 (TSC2). Identifiers: Orphanet 805, MedGen C1860707, MONDO:0013199, OMIM 613254.

Submission:

Clinical Genomics Laboratory, Washington University in St. Louis
Classification: Pathogenic for Tuberous sclerosis 2. Last evaluated: 2025-11-24. Review status: criteria provided, single submitter. Criteria: Leon-Quintero et al. (Clin Genet. 2025). Collection method: clinical testing. Allele origin: somatic. Affected: yes.
Comment: A TSC2 c.4107dup (p.Pro1370Alafs*44) variant was identified at an allelic fraction consistent with somatic origin. This exact variant, to our knowledge, has not been reported in the medical literature; however, several other frameshift and nonsense variants in this region have been reported and are considered pathogenic. It is absent from the general population (gnomAD v4.1.0), indicating it is not a common variant. The TSC2 c.4107dup (p.Pro1370Alafs*44) variant causes a frameshift by duplicating a single nucleotide, leading to a premature termination codon, which is predicted to lead to nonsense-mediated decay. Based on available information and an internally developed protocol informed by the ACMG/AMP guidelines for variant interpretation and gene-specific practices from the ClinGen Criteria Specification Registry (Leon-Quintero FZ et al., PMID: 39434542), the TSC2 c.4107dup (p.Pro1370Alafs*44) variant is classified as pathogenic.